The following is an entry in ClinVar:

ClinVar aggregate classification (germline): Pathogenic/Likely pathogenic. Review status: criteria provided, multiple submitters, no conflicts (2 of 4 stars). 3 submissions from 3 submitters: Pathogenic (1); Likely pathogenic (1). 1 of the submissions does not count toward it. Last evaluated 2026-02-24.

Conditions:
Klippel-Feil anomaly-myopathy-facial dysmorphism syndrome. Also called: Klippel-feil syndrome 4, autosomal recessive, with nemaline myopathy and facial dysmorphism; Klippel-Feil syndrome 4, autosomal recessive, with myopathy and facial dysmorphism. Identifiers: Orphanet 447974, MedGen C4225285, MONDO:0014689, OMIM 616549.
MYO18B-related disorder. Also called: MYO18B-related condition.

Allele frequency attached by ClinVar (database versions not stated): ExAC 0.00001; TOPMed 0.00001; gnomAD exomes 0.00002 and 0.00003.

Submissions (3):

PreventionGenetics, part of Exact Sciences
Classification: Likely pathogenic for MYO18B-related condition. Last evaluated: 2026-02-24. Review status: criteria provided, single submitter. Criteria: ACMG Guidelines, 2015. Collection method: clinical testing. Allele origin: germline.
Comment: The MYO18B c.6433C>T variant is predicted to result in premature protein termination (p.Arg2145*). This variant was reported in the homozygous state in a patient with early-onset muscular hypotonia and characteristic dysmorphic features (Brunet et al 2020. PubMed ID: 32184166). This variant is reported in 0.0065% of alleles in individuals of South Asian descent in gnomAD. Nonsense variants in MYO18B are expected to be pathogenic. This variant is interpreted as likely pathogenic.

Institute of Human Genetics Munich, TUM University Hospital
Classification: Pathogenic for Klippel-Feil anomaly-myopathy-facial dysmorphism syndrome. Last evaluated: 2018-02-08. Review status: criteria provided, single submitter. Criteria: Classification criteria August 2017. Collection method: clinical testing. Allele origin: inherited. Inheritance: Autosomal recessive inheritance. Affected: yes. Observed: 1 homozygote.

OMIM
Classification: Pathogenic for KLIPPEL-FEIL SYNDROME 4, AUTOSOMAL RECESSIVE, WITH NEMALINE MYOPATHY AND FACIAL DYSMORPHISM. Last evaluated: 2023-01-19. Review status: no assertion criteria provided. Collection method: literature only. Allele origin: germline. Not counted in ClinVar's aggregate classification.

Literature cited by the submitters: PubMed 32184166 (cited by OMIM).

NM_032608.7(MYO18B):c.6433C>T (p.Arg2145Ter)

Gene: MYO18B (myosin XVIIIB; plus strand). Cytogenetic location: 22q12.1.
Variant type: single nucleotide variant.
Coding change: c.6433C>T on transcript NM_032608.7 (MANE Select); coding-DNA position 6433, C replaced by T.
Protein change: p.Arg2145Ter; replaces arginine 2145 with a stop codon.
Molecular consequence: nonsense.
Genome position (GRCh38, 1-based): chr22:26,004,818, C>T. VCF-style: chr22-26004818-C-T. GRCh37 (hg19) VCF-style: chr22-26400784-C-T.
Other names: c.6433C>T (NM_032608.6); c.6436C>T, p.Arg2146Ter (NM_001318245.2); short protein forms R2145*, R2146*.
Identifiers: ClinVar variation 807635 (VCV000807635.5), dbSNP rs753585568, ClinGen allele CA10161520.